The following is an entry in ClinVar:

NM_001161352.2(KCNMA1):c.3556C>T (p.Arg1186Trp)

Gene: KCNMA1 (potassium calcium-activated channel subfamily M alpha 1; minus strand). Cytogenetic location: 10q22.3.
Variant type: single nucleotide variant.
Coding change: c.3556C>T on transcript NM_001161352.2 (MANE Select); coding-DNA position 3556, C replaced by T.
Protein change: p.Arg1186Trp; replaces arginine 1186 with tryptophan.
Molecular consequence: missense variant.
Genome position (GRCh38, 1-based): chr10:76,887,421, G>A on the plus strand (C>T on the coding strand, the complement: KCNMA1 is on the minus strand). VCF-style: chr10-76887421-G-A. GRCh37 (hg19) VCF-style: chr10-78647179-G-A.
Other names: c.3394C>T, p.Arg1132Trp (NM_001014797.3); c.3505C>T, p.Arg1169Trp (NM_001161353.2); c.3232C>T, p.Arg1078Trp (NM_001271518.2); c.3472C>T, p.Arg1158Trp (NM_001271519.2); c.3391C>T, p.Arg1131Trp (NM_001322829.2, NM_001322836.2); c.3484C>T, p.Arg1162Trp (NM_001322830.2); c.3382C>T, p.Arg1128Trp (NM_001322832.2, NM_002247.4); c.3475C>T, p.Arg1159Trp (NM_001322835.2, NM_001322837.2); and 1 more; short protein forms R1128W, R1169W, R977W, R1078W, R1158W, R1159W, R1131W, R1132W.
Identifiers: ClinVar variation 642438 (VCV000642438.21), dbSNP rs747029218, ClinGen allele CA5567814.

ClinVar aggregate classification (germline): Uncertain significance. Review status: criteria provided, multiple submitters, no conflicts (2 of 4 stars). 7 submissions from 7 submitters: Uncertain significance (5). 2 of the submissions do not count toward it. Last evaluated 2026-08-01.

Conditions:
KCNMA1-related disorder. Also called: KCNMA1-related condition; KCNMA1-related disorders.
Inborn genetic diseases. Identifiers: MedGen C0950123, MeSH D030342.
Generalized epilepsy-paroxysmal dyskinesia syndrome (PNKD3). Also called: Generalized epilepsy and paroxysmal dyskinesia; Paroxysmal nonkinesigenic dyskinesia, 3, with or without generalized epilepsy. Identifiers: Orphanet 79137, MedGen C5574945, MONDO:0012276, OMIM 609446.

Allele frequency attached by ClinVar (database versions not stated): TOPMed 0.00001; ExAC 0.00002; gnomAD exomes 0.00001 and 0.00004; gnomAD 0.00001.
gnomAD v4.1: 55 of 1,614,012 alleles (0.0034%); highest among the groups gnomAD compares: Middle Eastern, 0.016%; no homozygotes.

Submissions (7):

CeGaT Center for Human Genetics Tuebingen
Classification: Uncertain significance. Last evaluated: 2026-08-01. Review status: criteria provided, single submitter. Criteria: CeGaT Center For Human Genetics Tuebingen Variant Classification Criteria Version 2. Collection method: clinical testing. Allele origin: germline. Affected: yes. Observed: 1 variant allele.

Ambry Genetics
Classification: Uncertain significance for Inborn genetic diseases. Last evaluated: 2026-04-28. Review status: criteria provided, single submitter. Criteria: Ambry Variant Classification Scheme 2023. Collection method: clinical testing. Allele origin: germline.
Comment: The c.3382C>T (p.R1128W) alteration is located in exon 27 (coding exon 27) of the KCNMA1 gene. This alteration results from a C to T substitution at nucleotide position 3382, causing the arginine (R) at amino acid position 1128 to be replaced by a tryptophan (W). Based on data from gnomAD, the T allele has an overall frequency of 0.001% (2/250368) total alleles studied. The highest observed frequency was 0.006% (1/16250) of African alleles. This amino acid position is highly conserved in available vertebrate species. This alteration is predicted to be deleterious by in silico analysis. Based on insufficient or conflicting evidence, the clinical significance of this alteration remains unclear.

Labcorp Genetics (formerly Invitae), Labcorp
Classification: Uncertain significance for Generalized epilepsy-paroxysmal dyskinesia syndrome. Last evaluated: 2025-12-05. Review status: criteria provided, single submitter. Criteria: Invitae Variant Classification Sherloc (09022015). Collection method: clinical testing. Allele origin: germline.
Comment: This sequence change replaces arginine, which is basic and polar, with tryptophan, which is neutral and slightly polar, at codon 1128 of the KCNMA1 protein (p.Arg1128Trp). This variant is present in population databases (rs747029218, gnomAD 0.007%). This missense change has been observed in individual(s) with autosomal dominant KCNMA1-related conditions (internal data). ClinVar contains an entry for this variant (Variation ID: 642438). An algorithm developed to predict the effect of missense changes on protein structure and function (PolyPhen-2) suggests that this variant is likely to be disruptive. In summary, the available evidence is currently insufficient to determine the role of this variant in disease. Therefore, it has been classified as a Variant of Uncertain Significance.

Revvity Omics, Revvity
Classification: Uncertain significance. Last evaluated: 2020-12-17. Review status: criteria provided, single submitter. Criteria: ACMG Guidelines, 2015. Collection method: clinical testing. Allele origin: germline.

GeneDx
Classification: Uncertain significance. Last evaluated: 2020-11-20. Review status: criteria provided, single submitter. Criteria: GeneDx Variant Classification Process June 2021. Collection method: clinical testing. Allele origin: germline. Affected: yes.
Comment: In silico analysis supports that this missense variant has a deleterious effect on protein structure/function; This variant is associated with the following publications: (PMID: 31851553)

PreventionGenetics, part of Exact Sciences
Classification: Uncertain significance for KCNMA1-related condition. Last evaluated: 2024-03-21. Review status: no assertion criteria provided. Collection method: clinical testing. Allele origin: germline. Not counted in ClinVar's aggregate classification.
Comment: The KCNMA1 c.3382C>T variant is predicted to result in the amino acid substitution p.Arg1128Trp. To our knowledge, this variant has not been reported in the literature. This variant is reported in 0.0062% of alleles in individuals of African descent in gnomAD. At this time, the clinical significance of this variant is uncertain due to the absence of conclusive functional and genetic evidence.

Pediatric Genetics Clinic, Sheba Medical Center
Classification: Uncertain significance for Generalized epilepsy-paroxysmal dyskinesia syndrome. Last evaluated: 2021-05-13. Review status: no assertion criteria provided. Collection method: clinical testing. Allele origin: unknown. Affected: yes. Observed: 1 compound heterozygote. Not counted in ClinVar's aggregate classification.